The following is an entry in ClinVar:

ClinVar aggregate classification (germline): Uncertain significance (1 of 4 stars; one submission).

Conditions:
Hereditary cancer-predisposing syndrome. Also called: Tumor predisposition; Hereditary neoplastic syndrome; Hereditary Cancer Syndrome; Neoplastic Syndromes, Hereditary. Identifiers: Orphanet 140162, MedGen C0027672, MeSH D009386, MONDO:0015356.

Submission:

Ambry Genetics
Classification: Uncertain significance for Hereditary cancer-predisposing syndrome. Last evaluated: 2025-04-03. Review status: criteria provided, single submitter. Criteria: Ambry Variant Classification Scheme 2023. Collection method: clinical testing. Allele origin: germline.
Comment: The p.S2077F variant (also known as c.6230C>T), located in coding exon 45 of the POLE gene, results from a C to T substitution at nucleotide position 6230. The serine at codon 2077 is replaced by phenylalanine, an amino acid with highly dissimilar properties. This amino acid position is conserved. In addition, this alteration is predicted to be tolerated by in silico analysis. Based on the available evidence, the clinical significance of this variant remains unclear.

NM_006231.4(POLE):c.6230C>T (p.Ser2077Phe)

Gene: POLE (DNA polymerase epsilon, catalytic subunit; minus strand). Cytogenetic location: 12q24.33.
Variant type: single nucleotide variant.
Coding change: c.6230C>T on transcript NM_006231.4 (MANE Select); coding-DNA position 6230, C replaced by T.
Protein change: p.Ser2077Phe; replaces serine 2077 with phenylalanine.
Molecular consequence: missense variant.
Genome position (GRCh38, 1-based): chr12:132,632,415, G>A on the plus strand (C>T on the coding strand, the complement: POLE is on the minus strand). VCF-style: chr12-132632415-G-A. GRCh37 (hg19) VCF-style: chr12-133209001-G-A.
Other names: short protein forms S2077F.
Identifiers: ClinVar variation 3935715 (VCV003935715.1).